The following is an entry in ClinVar:

ClinVar aggregate classification (germline): Uncertain significance (1 of 4 stars; one submission).

Submission:

Labcorp Genetics (formerly Invitae), Labcorp
Classification: Uncertain significance. Last evaluated: 2021-12-17. Review status: criteria provided, single submitter. Criteria: Invitae Variant Classification Sherloc (09022015). Collection method: clinical testing. Allele origin: germline.
Comment: In summary, the available evidence is currently insufficient to determine the role of this variant in disease. Therefore, it has been classified as a Variant of Uncertain Significance. Algorithms developed to predict the effect of missense changes on protein structure and function (SIFT, PolyPhen-2, Align-GVGD) all suggest that this variant is likely to be tolerated. This variant has not been reported in the literature in individuals affected with ZNF469-related conditions. This variant is not present in population databases (gnomAD no frequency). This sequence change replaces arginine, which is basic and polar, with lysine, which is basic and polar, at codon 2607 of the ZNF469 protein (p.Arg2607Lys).

NM_001367624.2(ZNF469):c.7904G>A (p.Arg2635Lys)

Gene: ZNF469 (zinc finger protein 469; plus strand). Cytogenetic location: 16q24.2.
Variant type: single nucleotide variant.
Coding change: c.7904G>A on transcript NM_001367624.2 (MANE Select); coding-DNA position 7904, G replaced by A.
Protein change: p.Arg2635Lys; replaces arginine 2635 with lysine.
Molecular consequence: missense variant.
Genome position (GRCh38, 1-based): chr16:88,435,374, G>A. VCF-style: chr16-88435374-G-A. GRCh37 (hg19) VCF-style: chr16-88501782-G-A.
Other names: short protein forms R2635K.
Identifiers: ClinVar variation 2045381 (VCV002045381.4), dbSNP rs2507597921, ClinGen allele CA397115348.